The following is an entry in ClinVar:

NM_015559.3(SETBP1):c.333_486+171del

Gene: SETBP1 (SET binding protein 1; plus strand). Cytogenetic location: 18q12.3.
Variant type: Deletion.
Coding change: c.333_486+171del on transcript NM_015559.3 (MANE Select); coding-DNA position 333 through 171 bases into the intron after coding-DNA position 486, 325 bases deleted.
Molecular consequence: splice donor variant.
Genome position (GRCh38, 1-based): chr18:44,701,679-44,702,003, 325 bases deleted. GRCh37 (hg19): chr18:42,281,644-42,281,968.
Other names: c.333_486+171del (NM_001379141.1, NM_001130110.2, NM_001410862.1 and 1 more transcripts).
Identifiers: ClinVar variation 2703973 (VCV002703973.3), dbSNP rs2511333495, ClinGen allele CA2697555401.

ClinVar aggregate classification (germline): Likely pathogenic (1 of 4 stars; one submission).

Submission:

Labcorp Genetics (formerly Invitae), Labcorp
Classification: Likely pathogenic. Last evaluated: 2023-12-18. Review status: criteria provided, single submitter. Criteria: Invitae Variant Classification Sherloc (09022015). Collection method: clinical testing. Allele origin: germline.
Comment: This variant results in the deletion of part of exon 2 (c.333_486+171del) of the SETBP1 gene. It is expected to disrupt RNA splicing. Variants that disrupt the donor or acceptor splice site typically lead to a loss of protein function (PMID: 16199547), and loss-of-function variants in SETBP1 are known to be pathogenic (PMID: 21037274, 25217958). This variant is not present in population databases (gnomAD no frequency). This variant has not been reported in the literature in individuals affected with SETBP1-related conditions. In summary, the currently available evidence indicates that the variant is pathogenic, but additional data are needed to prove that conclusively. Therefore, this variant has been classified as Likely Pathogenic.

Literature cited by the submitters: PubMed 16199547; PubMed 21037274; PubMed 25217958.